The following is an entry in ClinVar:

ClinVar aggregate classification (germline): Uncertain significance. Review status: criteria provided, multiple submitters, no conflicts (2 of 4 stars). 2 submissions from 2 submitters: Uncertain significance (2). Last evaluated 2025-07-25.

Conditions:
Inborn genetic diseases. Identifiers: MedGen C0950123, MeSH D030342.

Submissions (2):

GeneDx
Classification: Uncertain significance. Last evaluated: 2025-07-25. Review status: criteria provided, single submitter. Criteria: GeneDx Variant Classification Process June 2021. Collection method: clinical testing. Allele origin: germline. Affected: yes.
Comment: Not observed at significant frequency in large population cohorts (gnomAD); In silico analysis supports that this missense variant has a deleterious effect on protein structure/function; Has not been previously published as pathogenic or benign to our knowledge

Ambry Genetics
Classification: Uncertain significance for Inborn genetic diseases. Last evaluated: 2017-05-02. Review status: criteria provided, single submitter. Criteria: Ambry exome assertion method (8-5-2015). Collection method: clinical testing. Allele origin: germline. Affected: yes. Observed: 2 variant alleles.

NM_001673.5(ASNS):c.1289T>G (p.Leu430Trp)

Genes: ASNS (asparagine synthetase (glutamine-hydrolyzing); minus strand), CZ1P-ASNS (CZ1P-ASNS readthrough; minus strand). Cytogenetic location: 7q21.3.
Variant type: single nucleotide variant.
Coding change: c.1289T>G on transcript NM_001673.5 (MANE Select); coding-DNA position 1289, T replaced by G.
Protein change: p.Leu430Trp; replaces leucine 430 with tryptophan.
Molecular consequence: missense variant. On other transcripts: non-coding transcript variant (1).
Genome position (GRCh38, 1-based): chr7:97,853,336, A>C on the plus strand (T>G on the coding strand, the complement: ASNS is on the minus strand). VCF-style: chr7-97853336-A-C. GRCh37 (hg19) VCF-style: chr7-97482648-A-C.
Other names: c.1226T>G, p.Leu409Trp (NM_001178075.2); c.1040T>G, p.Leu347Trp (NM_001178076.2, NM_001178077.1); c.1289T>G, p.Leu430Trp (NM_001352496.2, NM_133436.3, NM_183356.4); short protein forms L430W, L347W, L409W.
Identifiers: ClinVar variation 521762 (VCV000521762.5), dbSNP rs1554347511, ClinGen allele CA368265113.